The following is an entry in ClinVar:

ClinVar aggregate classification (germline): Uncertain significance. Review status: criteria provided, multiple submitters, no conflicts (2 of 4 stars). 4 submissions from 4 submitters: Uncertain significance (4). Last evaluated 2025-08-15.

Conditions:
Microcephaly 5, primary, autosomal recessive (MCPH5). Also called: ASPM Primary Microcephaly. Identifiers: Orphanet 2512, MedGen C1837501, MONDO:0012106, OMIM 608716.
ASPM-related disorder. Also called: ASPM-related condition.

Allele frequency attached by ClinVar (database versions not stated): ExAC 0.00001; gnomAD 0.00001; gnomAD exomes 0.00001; TOPMed 0.00002.
gnomAD v4.1: 11 of 1,613,058 alleles (0.00068%); highest among the groups gnomAD compares: Admixed American, 0.0017%; no homozygotes.

Submissions (4):

PreventionGenetics, part of Exact Sciences
Classification: Uncertain significance for ASPM-related condition. Last evaluated: 2025-08-15. Review status: criteria provided, single submitter. Criteria: ACMG Guidelines, 2015. Collection method: clinical testing. Allele origin: germline.
Comment: The ASPM c.2792G>A variant is predicted to result in the amino acid substitution p.Arg931Gln. To our knowledge, this variant has not been reported in the literature. This variant is reported in 0.0062% of alleles in individuals of African descent in gnomAD. At this time, the clinical significance of this variant is uncertain due to the absence of conclusive functional and genetic evidence.

Genome-Nilou Lab
Classification: Uncertain significance for Microcephaly 5, primary, autosomal recessive. Last evaluated: 2023-04-11. Review status: criteria provided, single submitter. Criteria: ACMG Guidelines, 2015. Collection method: clinical testing. Allele origin: germline. Affected: no.

Athena Diagnostics
Classification: Uncertain significance. Last evaluated: 2022-03-24. Review status: criteria provided, single submitter. Criteria: Athena Diagnostics Criteria. Collection method: clinical testing. Allele origin: unknown.

Genomic Research Center, Shahid Beheshti University of Medical Sciences
Classification: Uncertain significance for Primary autosomal recessive microcephaly 5. Last evaluated: 2019-01-01. Review status: criteria provided, single submitter. Criteria: ACMG Guidelines, 2015. Collection method: clinical testing. Allele origin: unknown. Affected: no. Observed: 1 variant allele.

NM_018136.5(ASPM):c.2792G>A (p.Arg931Gln)

Gene: ASPM (assembly factor for spindle microtubules; minus strand). Cytogenetic location: 1q31.3.
Variant type: single nucleotide variant.
Coding change: c.2792G>A on transcript NM_018136.5 (MANE Select); coding-DNA position 2792, G replaced by A.
Protein change: p.Arg931Gln; replaces arginine 931 with glutamine.
Molecular consequence: missense variant.
Genome position (GRCh38, 1-based): chr1:197,128,634, C>T on the plus strand (G>A on the coding strand, the complement: ASPM is on the minus strand). VCF-style: chr1-197128634-C-T. GRCh37 (hg19) VCF-style: chr1-197097764-C-T.
Other names: c.2792G>A, p.Arg931Gln (NM_001206846.2); short protein forms R931Q.
Identifiers: ClinVar variation 634617 (VCV000634617.7), dbSNP rs764854489, ClinGen allele CA1310341.